The following is an entry in ClinVar:

NM_001182.5(ALDH7A1):c.328C>G (p.Arg110Gly)

Gene: ALDH7A1 (aldehyde dehydrogenase 7 family member A1; minus strand). Cytogenetic location: 5q23.2.
Variant type: single nucleotide variant.
Coding change: c.328C>G on transcript NM_001182.5 (MANE Select); coding-DNA position 328, C replaced by G.
Protein change: p.Arg110Gly; replaces arginine 110 with glycine.
Molecular consequence: missense variant.
Genome position (GRCh38, 1-based): chr5:126,583,997, G>C on the plus strand (C>G on the coding strand, the complement: ALDH7A1 is on the minus strand). VCF-style: chr5-126583997-G-C. GRCh37 (hg19) VCF-style: chr5-125919689-G-C.
Other names: c.244C>G, p.Arg82Gly (NM_001201377.2); c.328C>G, p.Arg110Gly (NM_001202404.2); short protein forms R110G, R82G.
Identifiers: ClinVar variation 426361 (VCV000426361.5), dbSNP rs121912708, ClinGen allele CA3389796.

ClinVar aggregate classification (germline): Likely pathogenic (1 of 4 stars; one submission).

gnomAD v4.1: 18 of 1,613,902 alleles (0.0011%); highest among the groups gnomAD compares: Non-Finnish European, 0.0014%; no homozygotes.

Submission:

GeneDx
Classification: Likely pathogenic. Last evaluated: 2022-09-08. Review status: criteria provided, single submitter. Criteria: GeneDx Variant Classification Process June 2021. Collection method: clinical testing. Allele origin: germline. Affected: yes.
Comment: Not observed at significant frequency in large population cohorts (gnomAD); In silico analysis supports that this missense variant has a deleterious effect on protein structure/function; Has not been previously published as pathogenic or benign to our knowledge